The following is an entry in ClinVar:

NM_001099402.2(CCNK):c.777A>G (p.Ser259=)

Genes: CCDC85C (coiled-coil domain containing 85C; minus strand), CCNK (cyclin K; plus strand). Cytogenetic location: 14q32.2.
Variant type: single nucleotide variant.
Coding change: c.777A>G on transcript NM_001099402.2 (MANE Select); coding-DNA position 777, A replaced by G.
Protein change: p.Ser259=; no amino-acid change (serine 259 retained).
Molecular consequence: synonymous variant. On other transcripts: 3 prime UTR variant (1).
Genome position (GRCh38, 1-based): chr14:99,502,750, A>G. VCF-style: chr14-99502750-A-G. GRCh37 (hg19) VCF-style: chr14-99969087-A-G.
Other names: c.*12496T>C (NM_001144995.2).
Identifiers: ClinVar variation 3035487 (VCV003035487.3), dbSNP rs372835830, ClinGen allele CA7340709.
Genomic context (GRCh38, chr14:99,502,750, plus strand): 5'-GTAAAATGTAATTGTTGGCTATCATTTAGACATCTGCCACCAAATCCTGGATCTTTACTC[A>G]CAAGGAAAACAACAGATGCCTCATCACACCCCCCATCAGCTGCAACAGCCCCCATCTCTT-3'
Protein context (NP_001092872.1, residues 249-269): DICHQILDLY[Ser259=]QGKQQMPHHT

ClinVar aggregate classification (germline): Likely benign. Review status: criteria provided, single submitter (1 of 4 stars). 2 submissions from 2 submitters: Likely benign (1). 1 of the submissions does not count toward it. Last evaluated 2024-11-20.

Conditions:
CCNK-related disorder. Also called: CCNK-related condition.

Allele frequency attached by ClinVar (database versions not stated): gnomAD exomes 0.00001; gnomAD 0.00002; ExAC 0.00004; TOPMed 0.00008.
gnomAD v4.1: 78 of 1,613,464 alleles (0.0048%); highest among the groups gnomAD compares: East Asian, 0.036%; 2 homozygotes.

Submissions (2):

Blueprint Genetics
Classification: Likely benign. Last evaluated: 2024-11-20. Review status: criteria provided, single submitter. Criteria: ACMG Guidelines, 2015. Collection method: clinical testing. Allele origin: germline.

PreventionGenetics, part of Exact Sciences
Classification: Likely benign for CCNK-related condition. Last evaluated: 2019-03-28. Review status: no assertion criteria provided. Collection method: clinical testing. Allele origin: germline. Not counted in ClinVar's aggregate classification.
Comment: This variant is classified as likely benign based on ACMG/AMP sequence variant interpretation guidelines (Richards et al. 2015 PMID: 25741868, with internal and published modifications).